The following is an entry in ClinVar:

NM_005215.4(DCC):c.1573+2T>G

Gene: DCC (DCC netrin 1 receptor; plus strand). Cytogenetic location: 18q21.2.
Variant type: single nucleotide variant.
Coding change: c.1573+2T>G on transcript NM_005215.4 (MANE Select); the canonical splice donor site of the intron after coding-DNA position 1573, T replaced by G.
Molecular consequence: splice donor variant.
Genome position (GRCh38, 1-based): chr18:53,179,118, T>G. VCF-style: chr18-53179118-T-G. GRCh37 (hg19) VCF-style: chr18-50705488-T-G.
Other names: NM_005215.4:c.1573+2T>G.
Identifiers: ClinVar variation 2500956 (VCV002500956.1), dbSNP rs2511800544, ClinGen allele CA402515532.
Genomic context (GRCh38, chr18:53,179,118, plus strand): 5'-CAATGAATGGGGACCGGGAGAGAGTTCTCAACCCATCAAGGTGGCCACACAGCCTGAGTG[T>G]GAGTATGAAAAGGAACGGGCCACATTTAAAAAGTATTTATTTTCCTCTGCAATATCCTTG-3'

ClinVar aggregate classification (germline): Pathogenic (1 of 4 stars; one submission).

Conditions:
Mirror movements 1 and/or agenesis of the corpus callosum. Identifiers: MedGen CN322311, MONDO:0100515.

Submission:

Broad Center for Mendelian Genomics, Broad Institute of MIT and Harvard
Classification: Pathogenic for Mirror movements 1 and/or agenesis of the corpus callosum. Last evaluated: 2023-05-02. Review status: criteria provided, single submitter. Criteria: ACMG Guidelines, 2015. Collection method: curation. Allele origin: germline. Inheritance: Autosomal dominant inheritance.
Comment: The heterozygous c.1573+2T>G variant in DCC was identified by our study in a mother and her daughter with agenesis of corpus callosum. The c.1573+2T>G variant in DCC has not been previously reported in individuals with mirror movements 1 and/or agenesis of the corpus callosum. This variant was absent from large population studies. This variant is located in the 5' splice region. Computational tools predict a splicing impact, though this information is not predictive enough to determine pathogenicity. Heterozygous loss of function of the DCC gene is an established disease mechanism in mirror movements 1 and/or agenesis of the corpus callosum. In summary, this variant meets criteria to be classified as pathogenic for autosomal dominant mirror movements 1 and/or agenesis of the corpus callosum. ACMG/AMP Criteria applied: PVS1, PS2_Moderate, PM2_Supporting (Richards 2015).